The following is an entry in ClinVar:

NM_005660.3(SLC35A2):c.844G>A (p.Gly282Arg)

Gene: SLC35A2 (solute carrier family 35 member A2; minus strand). Cytogenetic location: Xp11.23.
Variant type: single nucleotide variant.
Coding change: c.844G>A on transcript NM_005660.3 (MANE Select); coding-DNA position 844, G replaced by A.
Protein change: p.Gly282Arg; replaces glycine 282 with arginine.
Molecular consequence: missense variant. On other transcripts: intron variant (3).
Genome position (GRCh38, 1-based): chrX:48,905,065, C>T on the plus strand (G>A on the coding strand, the complement: SLC35A2 is on the minus strand). VCF-style: chrX-48905065-C-T. GRCh37 (hg19) VCF-style: chrX-48762342-C-T.
Other names: c.844G>A, p.Gly282Arg (NM_001042498.3); c.661G>A, p.Gly221Arg (NM_001282649.2); c.883G>A, p.Gly295Arg (NM_001282650.2); c.928G>A, p.Gly310Arg (NM_001282651.2); c.427-173G>A (NM_001282647.2, NM_001032289.3); c.355-173G>A (NM_001282648.2); short protein forms G282R, G295R, G221R, G310R.
Identifiers: ClinVar variation 871205 (VCV000871205.45), dbSNP rs2063478987, ClinGen allele CA412895094.
Genomic context (GRCh38, chrX:48,905,065, plus strand): 5'-AGGTGGCAAAGCCCTTGAGGATATTGTCAGCGTACTTGACAACCACAGCCACCAGTAGCC[C>T]GCCGAAGGCCTGGTTGAGCACCACGCCCCAGACAGCAGGTGTGTACCCAAAAAAGAAACC-3'
Protein context (NP_005651.1, residues 272-292): WGVVLNQAFG[Gly282Arg]LLVAVVVKYA

ClinVar aggregate classification (germline): Pathogenic. Review status: criteria provided, multiple submitters, no conflicts (2 of 4 stars). 2 submissions from 2 submitters: Pathogenic (2). Last evaluated 2025-08-21.

Conditions:
SLC35A2-congenital disorder of glycosylation. Also called: DEVELOPMENTAL AND EPILEPTIC ENCEPHALOPATHY 22; EPILEPTIC ENCEPHALOPATHY, EARLY INFANTILE, 22; SLC35A2-CDG; CONGENITAL DISORDER OF GLYCOSYLATION, TYPE IIm; CDG IIm; CONGENITAL DISORDER OF GLYCOSYLATION, TYPE IIm, SOMATIC MOSAIC. Identifiers: Orphanet 356961, MedGen C3806688, MONDO:0010478, OMIM 300896.

Submissions (2):

Labcorp Genetics (formerly Invitae), Labcorp
Classification: Pathogenic for SLC35A2-congenital disorder of glycosylation. Last evaluated: 2025-08-21. Review status: criteria provided, single submitter. Criteria: Invitae Variant Classification Sherloc (09022015). Collection method: clinical testing. Allele origin: germline.
Comment: This sequence change replaces glycine, which is neutral and non-polar, with arginine, which is basic and polar, at codon 282 of the SLC35A2 protein (p.Gly282Arg). This variant is not present in population databases (gnomAD no frequency). This missense change has been observed in individual(s) with West syndrome (PMID: 25877686). In at least one individual the variant was observed to be de novo. ClinVar contains an entry for this variant (Variation ID: 871205). Invitae Evidence Modeling of protein sequence and biophysical properties (such as structural, functional, and spatial information, amino acid conservation, physicochemical variation, residue mobility, and thermodynamic stability) indicates that this missense variant is expected to disrupt SLC35A2 protein function with a positive predictive value of 80%. For these reasons, this variant has been classified as Pathogenic.

CeGaT Center for Human Genetics Tuebingen
Classification: Pathogenic. Last evaluated: 2018-07-01. Review status: criteria provided, single submitter. Criteria: CeGaT Center For Human Genetics Tuebingen Variant Classification Criteria Version 2. Collection method: clinical testing. Allele origin: germline. Affected: yes. Observed: 1 variant allele.

Literature cited by the submitters: PubMed 25877686 (cited by Labcorp Genetics (formerly Invitae), Labcorp).